The following is an entry in ClinVar:

ClinVar aggregate classification (germline): Uncertain significance. Review status: criteria provided, multiple submitters, no conflicts (2 of 4 stars). 2 submissions from 2 submitters: Uncertain significance (2). Last evaluated 2026-06-01.

Conditions:
Dilated cardiomyopathy 1JJ (CMD1JJ). Identifiers: Orphanet 154, MedGen C3808935, MONDO:0014095, OMIM 615235.
Cardiovascular phenotype. Identifiers: MedGen CN230736.

Allele frequency attached by ClinVar (database versions not stated): gnomAD exomes below 0.00001.
gnomAD v4.1: 2 of 1,612,524 alleles (0.00012%); highest among the groups gnomAD compares: Non-Finnish European, 0.00017%; no homozygotes.

Submissions (2):

Ambry Genetics
Classification: Uncertain significance for Cardiovascular phenotype. Last evaluated: 2026-06-01. Review status: criteria provided, single submitter. Criteria: Ambry Variant Classification Scheme 2023. Collection method: clinical testing. Allele origin: germline.
Comment: The p.G1111S variant (also known as c.3331G>A), located in coding exon 24 of the LAMA4 gene, results from a G to A substitution at nucleotide position 3331. The glycine at codon 1111 is replaced by serine, an amino acid with similar properties. This amino acid position is conserved. In addition, the in silico prediction for this alteration is inconclusive. Based on the available evidence, the clinical significance of this variant remains unclear.

Labcorp Genetics (formerly Invitae), Labcorp
Classification: Uncertain significance for Dilated cardiomyopathy 1JJ. Last evaluated: 2025-05-12. Review status: criteria provided, single submitter. Criteria: Invitae Variant Classification Sherloc (09022015). Collection method: clinical testing. Allele origin: germline.
Comment: This sequence change replaces glycine, which is neutral and non-polar, with serine, which is neutral and polar, at codon 1111 of the LAMA4 protein (p.Gly1111Ser). This variant is not present in population databases (gnomAD no frequency). This variant has not been reported in the literature in individuals affected with LAMA4-related conditions. ClinVar contains an entry for this variant (Variation ID: 2116711). Invitae Evidence Modeling of protein sequence and biophysical properties (such as structural, functional, and spatial information, amino acid conservation, physicochemical variation, residue mobility, and thermodynamic stability) has been performed for this missense variant. However, the output from this modeling did not meet the statistical confidence thresholds required to predict the impact of this variant on LAMA4 protein function. In summary, the available evidence is currently insufficient to determine the role of this variant in disease. Therefore, it has been classified as a Variant of Uncertain Significance.

NM_001105206.3(LAMA4):c.3352G>A (p.Gly1118Ser)

Gene: LAMA4 (laminin subunit alpha 4; minus strand). Cytogenetic location: 6q21.
Variant type: single nucleotide variant.
Coding change: c.3352G>A on transcript NM_001105206.3 (MANE Select); coding-DNA position 3352, G replaced by A.
Protein change: p.Gly1118Ser; replaces glycine 1118 with serine.
Molecular consequence: missense variant.
Genome position (GRCh38, 1-based): chr6:112,136,185, C>T on the plus strand (G>A on the coding strand, the complement: LAMA4 is on the minus strand). VCF-style: chr6-112136185-C-T. GRCh37 (hg19) VCF-style: chr6-112457387-C-T.
Other names: c.3331G>A, p.Gly1111Ser (NM_001105207.3, NM_002290.5); short protein forms G1111S, G1118S.
Identifiers: ClinVar variation 2116711 (VCV002116711.5), dbSNP rs2547012557, ClinGen allele CA365377525.
Genomic context (GRCh38, chr6:112,136,185, plus strand): 5'-CATGGTATTTTGCATCATTAATTTGAGCTTTCTTTAACGTATCTTCAAGATGCACAGGGC[C>T]ACCGCTGAATCCAAAATCATAGAACACATGTAGGTAACCATTGCGCATTTCCAGTCTGAA-3'
Protein context (NP_001098676.2, residues 1108-1128): HVFYDFGFSG[Gly1118Ser]PVHLEDTLKK